The following is an entry in ClinVar:

NM_201384.3(PLEC):c.3375C>G (p.Leu1125=)

Gene: PLEC (plectin; minus strand). Cytogenetic location: 8q24.3.
Variant type: single nucleotide variant.
Coding change: c.3375C>G on transcript NM_201384.3 (MANE Select); coding-DNA position 3375, C replaced by G.
Protein change: p.Leu1125=; no amino-acid change (leucine 1125 retained).
Molecular consequence: synonymous variant.
Genome position (GRCh38, 1-based): chr8:143,927,878, G>C on the plus strand (C>G on the coding strand, the complement: PLEC is on the minus strand). VCF-style: chr8-143927878-G-C. GRCh37 (hg19) VCF-style: chr8-145002046-G-C.
Other names: c.3456C>G, p.Leu1152= (NM_000445.5); c.3333C>G, p.Leu1111= (NM_201378.4); c.3309C>G, p.Leu1103= (NM_201379.3); c.3786C>G, p.Leu1262= (NM_201380.4); c.3279C>G, p.Leu1093= (NM_201381.3); c.3375C>G, p.Leu1125= (NM_201382.4); c.3387C>G, p.Leu1129= (NM_201383.3).
Identifiers: ClinVar variation 282428 (VCV000282428.36), dbSNP rs782733038, ClinGen allele CA10604173.

ClinVar aggregate classification (germline): Conflicting classifications of pathogenicity. Review status: criteria provided, conflicting classifications (1 of 4 stars). 3 submissions from 3 submitters: Uncertain significance (1); Likely benign (2). Last evaluated 2025-06-24.

Conditions:
Epidermolysis bullosa simplex, Ogna type (EBS5A). Also called: Pidermolysis bullosa simplex 5A, Ogna type; EPIDERMOLYSIS BULLOSA SIMPLEX 5A, OGNA TYPE. Identifiers: Orphanet 79401, MedGen C0432317, MONDO:0007555, OMIM 131950.
Epidermolysis bullosa simplex with nail dystrophy (EBS5D). Identifiers: MedGen C4225309, MONDO:0014661, OMIM 616487.
Autosomal recessive limb-girdle muscular dystrophy type 2Q (LGMDR17). Also called: MUSCULAR DYSTROPHY, LIMB-GIRDLE, AUTOSOMAL RECESSIVE 17. Identifiers: Orphanet 254361, MedGen C3150989, MONDO:0013390, OMIM 613723.
Epidermolysis bullosa simplex 5C, with pyloric atresia (EBS5C). Also called: Epidermolysis bullosa simplex with pyloric atresia; PLEC1-Related Epidermolysis Bullosa with Pyloric Atresia; PLEC-Related Epidermolysis Bullosa with Pyloric Atresia. Identifiers: Orphanet 158684, MedGen C2677349, MONDO:0012807, OMIM 612138.
Epidermolysis bullosa simplex 5B, with muscular dystrophy (EBS5B). Also called: Epidermolysis bullosa simplex with muscular dystrophy; EPIDERMOLYSIS BULLOSA SIMPLEX AND LIMB-GIRDLE MUSCULAR DYSTROPHY. Identifiers: Orphanet 257, MedGen C2931072, MONDO:0009181, OMIM 226670.

Allele frequency attached by ClinVar (database versions not stated): TOPMed 0.00005.
gnomAD v4.1: 29 of 1,590,176 alleles (0.0018%); highest among the groups gnomAD compares: Non-Finnish European, 0.0022%; no homozygotes.

Submissions (3):

Labcorp Genetics (formerly Invitae), Labcorp
Classification: Likely benign for Autosomal recessive limb-girdle muscular dystrophy type 2Q; Epidermolysis bullosa simplex, Ogna type; Epidermolysis bullosa simplex with nail dystrophy; Epidermolysis bullosa simplex 5C, with pyloric atresia; Epidermolysis bullosa simplex 5B, with muscular dystrophy. Last evaluated: 2025-06-24. Review status: criteria provided, single submitter. Criteria: Invitae Variant Classification Sherloc (09022015). Collection method: clinical testing. Allele origin: germline.

CeGaT Center for Human Genetics Tuebingen
Classification: Likely benign. Last evaluated: 2023-01-01. Review status: criteria provided, single submitter. Criteria: CeGaT Center For Human Genetics Tuebingen Variant Classification Criteria Version 2. Collection method: clinical testing. Allele origin: germline. Affected: yes. Observed: 1 variant allele.
Comment: PLEC: BP4, BP7

Eurofins Ntd Llc (ga)
Classification: Uncertain significance. Last evaluated: 2015-09-03. Review status: criteria provided, single submitter. Criteria: EGL Classification Definitions 2015. Collection method: clinical testing. Allele origin: germline. Observed: 1 variant allele, 1 heterozygote.